The following is an entry in ClinVar:

ClinVar aggregate classification (germline): Uncertain significance (1 of 4 stars; one submission).

Allele frequency attached by ClinVar (database versions not stated): gnomAD exomes below 0.00001; ExAC 0.00001.
gnomAD v4.1: 3 of 1,612,504 alleles (0.00019%); highest among the groups gnomAD compares: Non-Finnish European, 0.00025%; no homozygotes.

Submission:

GeneDx
Classification: Uncertain significance. Last evaluated: 2015-04-03. Review status: criteria provided, single submitter. Criteria: GeneDx Variant Classification (06012015). Collection method: clinical testing. Allele origin: germline. Affected: yes.
Comment: This variant is denoted c.6455 A>G p.Asn2152Ser (N2152S) NM_001035.2. The N2152S variant has not been published as a mutation or as a benign polymorphism to our knowledge. The N2152S variant was not observed in approximately 6,200 individuals of European and African American ancestry in the NHLBI Exome Sequencing Project, indicating it is not a common benign variant in these populations. This substitution occurs at a position that is completely conserved across species. Furthermore, in silico analysis predicts this variant is probably damaging to the protein structure/function. However, the N2152S variant is a conservative amino acid substitution, which is not likely to impact secondary protein structure as these residues share similar properties. Additionally, no missense mutations in nearby residues have been reported in association with RYR2-related disorders, indicating that this region of the protein may be tolerant of change. Therefore, based on the currently available information, it is unclear whether this variant is a pathogenic mutation or a rare benign variant. The variant is found in ARRHYTHMIA panel(s).

NM_001035.3(RYR2):c.6455A>G (p.Asn2152Ser)

Gene: RYR2 (ryanodine receptor 2; plus strand). Cytogenetic location: 1q43.
Variant type: single nucleotide variant.
Coding change: c.6455A>G on transcript NM_001035.3 (MANE Select); coding-DNA position 6455, A replaced by G.
Protein change: p.Asn2152Ser; replaces asparagine 2152 with serine.
Molecular consequence: missense variant.
Genome position (GRCh38, 1-based): chr1:237,631,441, A>G. VCF-style: chr1-237631441-A-G. GRCh37 (hg19) VCF-style: chr1-237794741-A-G.
Other names: p.N2152S:AAC>AGC; c.6455A>G, p.Asn2152Ser (LRG_402t1); short protein forms N2152S.
Identifiers: ClinVar variation 201263 (VCV000201263.2), dbSNP rs752288991, ClinGen allele CA010170.